The following is an entry in ClinVar:

ClinVar aggregate classification (germline): Pathogenic. Review status: criteria provided, single submitter (1 of 4 stars). 2 submissions from 2 submitters: Pathogenic (1). 1 of the submissions does not count toward it. Last evaluated 2025-05-29.

Conditions:
Autosomal recessive nonsyndromic hearing loss 1A (DFNB1A). Also called: Nonsyndromic Hearing Loss and Deafness, DFNB1; GJB6-Related DFNB 1 Nonsyndromic Hearing Loss and Deafness; Deafness, autosomal recessive 1A; GJB2-Related Autosomal Recessive Nonsyndromic Hearing Loss; Connexin 26 deafness; Deafness nonsyndromic, Connexin 26 linked. Identifiers: Orphanet 90636, MedGen C2673759, MONDO:0009076, OMIM 220290.

Submissions (2):

Women's Health and Genetics/Laboratory Corporation of America, LabCorp
Classification: Pathogenic for Autosomal recessive nonsyndromic hearing loss 1A. Last evaluated: 2025-05-29. Review status: criteria provided, single submitter. Criteria: LabCorp Variant Classification Summary - May 2015. Collection method: clinical testing. Allele origin: germline.
Comment: Variant summary: GJB2 c.119C>G (p.Ala40Gly) results in a non-conservative amino acid change in the encoded protein sequence. Algorithms developed to predict the effect of missense changes on protein structure and function all suggest that this variant is likely to be disruptive. The variant was absent in 250872 control chromosomes. c.119C>G has been observed in the presumed compound heterozygous state in at least 2 individual(s) affected with Autosomal Recessive Non-Syndromic Hearing Loss (example, Primignani_2009). These data indicate that the variant may be associated with disease. A different variant at the same codon (c.119C>A, p.Ala40Glu) has been classified by our laboratory as likely pathogenic/pathogenic for autosomal recessive nonsyndromic deafness, supporting the critical relevance of codon 40 for GJB2 protein function (PMID: 15967879, internal data). At least one publication reports experimental evidence evaluating an impact on protein function. The most pronounced variant effect results in <10% of normal channel conductance activity in vitro (example, Jara_2012). The following publications have been ascertained in the context of this evaluation (PMID: 22787277, 19371219, 17146396, 28532469, 36048236, 18368581, 21622233, 16217030, 27228968, 26283912, 38029595, 16950989, 20668687, 37106706, 20708129, 36472766, 25388846, 18837651, 37892203, 27466889, 28651654, 25447126, 36672810, 25625422, 38533727, 37373495). ClinVar contains an entry for this variant (Variation ID: 188925). To our knowledge, this variant has not been reported in individuals with autosomal dominant GJB2-related conditions. Based on the evidence outlined above, the variant was classified as pathogenic for autosomal recessive nonsyndromic deafness.

Counsyl
Classification: Likely pathogenic for Deafness, autosomal recessive 1A. Last evaluated: 2014-08-20. Review status: no assertion criteria provided. Collection method: literature only. Allele origin: unknown. Inheritance: Autosomal recessive inheritance. Not counted in ClinVar's aggregate classification.

Literature cited by the submitters: PubMed 20668687 (cited by Women's Health and Genetics/Laboratory Corporation of America, LabCorp); PubMed 19371219 (cited by Women's Health and Genetics/Laboratory Corporation of America, LabCorp and Counsyl); PubMed 20708129 (cited by Women's Health and Genetics/Laboratory Corporation of America, LabCorp); PubMed 16950989 (cited by Women's Health and Genetics/Laboratory Corporation of America, LabCorp and Counsyl); PubMed 16217030 (cited by Women's Health and Genetics/Laboratory Corporation of America, LabCorp and Counsyl); PubMed 25388846 (cited by Women's Health and Genetics/Laboratory Corporation of America, LabCorp); PubMed 27466889 (cited by Women's Health and Genetics/Laboratory Corporation of America, LabCorp); PubMed 17146396 (cited by Women's Health and Genetics/Laboratory Corporation of America, LabCorp); PubMed 18368581 (cited by Women's Health and Genetics/Laboratory Corporation of America, LabCorp); PubMed 36048236 (cited by Women's Health and Genetics/Laboratory Corporation of America, LabCorp); PubMed 36472766 (cited by Women's Health and Genetics/Laboratory Corporation of America, LabCorp); PubMed 37373495 (cited by Women's Health and Genetics/Laboratory Corporation of America, LabCorp); PubMed 25625422 (cited by Women's Health and Genetics/Laboratory Corporation of America, LabCorp); PubMed 28532469 (cited by Women's Health and Genetics/Laboratory Corporation of America, LabCorp); PubMed 21622233 (cited by Women's Health and Genetics/Laboratory Corporation of America, LabCorp); PubMed 27228968 (cited by Women's Health and Genetics/Laboratory Corporation of America, LabCorp); PubMed 26283912 (cited by Women's Health and Genetics/Laboratory Corporation of America, LabCorp); PubMed 38029595 (cited by Women's Health and Genetics/Laboratory Corporation of America, LabCorp); PubMed 38533727 (cited by Women's Health and Genetics/Laboratory Corporation of America, LabCorp); PubMed 18837651 (cited by Women's Health and Genetics/Laboratory Corporation of America, LabCorp and Counsyl); PubMed 37892203 (cited by Women's Health and Genetics/Laboratory Corporation of America, LabCorp); PubMed 28651654 (cited by Women's Health and Genetics/Laboratory Corporation of America, LabCorp); PubMed 25447126 (cited by Women's Health and Genetics/Laboratory Corporation of America, LabCorp); PubMed 36672810 (cited by Women's Health and Genetics/Laboratory Corporation of America, LabCorp); PubMed 37106706 (cited by Women's Health and Genetics/Laboratory Corporation of America, LabCorp); PubMed 22787277 (cited by Women's Health and Genetics/Laboratory Corporation of America, LabCorp and Counsyl).

NM_004004.6(GJB2):c.119C>G (p.Ala40Gly)

Gene: GJB2 (gap junction protein beta 2; minus strand). Cytogenetic location: 13q12.11.
Variant type: single nucleotide variant.
Coding change: c.119C>G on transcript NM_004004.6 (MANE Select); coding-DNA position 119, C replaced by G.
Protein change: p.Ala40Gly; replaces alanine 40 with glycine.
Molecular consequence: missense variant.
Genome position (GRCh38, 1-based): chr13:20,189,463, G>C on the plus strand (C>G on the coding strand, the complement: GJB2 is on the minus strand). VCF-style: chr13-20189463-G-C. GRCh37 (hg19) VCF-style: chr13-20763602-G-C.
Other names: short protein forms A40G.
Identifiers: ClinVar variation 188925 (VCV000188925.4), dbSNP rs111033296, ClinGen allele CA274135.